The following is an entry in ClinVar:

NM_000059.4(BRCA2):c.4481G>T (p.Ser1494Ile)

Gene: BRCA2 (BRCA2 DNA repair associated; plus strand). Cytogenetic location: 13q13.1.
Variant type: single nucleotide variant.
Coding change: c.4481G>T on transcript NM_000059.4 (MANE Select); coding-DNA position 4481, G replaced by T.
Protein change: p.Ser1494Ile; replaces serine 1494 with isoleucine.
Molecular consequence: missense variant.
Genome position (GRCh38, 1-based): chr13:32,338,836, G>T. VCF-style: chr13-32338836-G-T. GRCh37 (hg19) VCF-style: chr13-32912973-G-T.
Other names: c.4481G>T (NM_000059.3); short protein forms S1494I.
Identifiers: ClinVar variation 1380482 (VCV001380482.8), dbSNP rs1593902517, ClinGen allele CA387781506.
Genomic context (GRCh38, chr13:32,338,836, plus strand): 5'-AAATGGACATTCTAAGTTATGAGGAAACAGACATAGTTAAACACAAAATACTGAAAGAAA[G>T]TGTCCCAGTTGGTACTGGAAATCAACTAGTGACCTTCCAGGGACAACCCGAACGTGATGA-3'
Protein context (NP_000050.3, residues 1484-1504): DIVKHKILKE[Ser1494Ile]VPVGTGNQLV

ClinVar aggregate classification (germline): Conflicting classifications of pathogenicity. Review status: criteria provided, conflicting classifications (1 of 4 stars). 3 submissions from 3 submitters: Uncertain significance (2); Likely benign (1). Last evaluated 2026-05-28.

Conditions:
Hereditary cancer-predisposing syndrome. Also called: Neoplastic Syndromes, Hereditary; Tumor predisposition; Hereditary Cancer Syndrome; Hereditary neoplastic syndrome. Identifiers: Orphanet 140162, MedGen C0027672, MeSH D009386, MONDO:0015356.
Hereditary breast ovarian cancer syndrome. Also called: Hereditary breast and ovarian cancer; Hereditary breast and ovarian cancer syndrome; Hereditary breast and ovarian cancer syndrome (HBOC); BRCA1- and BRCA2-Associated Hereditary Breast and Ovarian Cancer; Breast and ovarian cancer; Hereditary breast and/or ovarian cancer syndrome. Identifiers: Orphanet 145, MedGen C0677776, MeSH D061325, MONDO:0003582. Disease mechanism: loss of function.

Submissions (3):

Ambry Genetics
Classification: Uncertain significance for Hereditary cancer-predisposing syndrome. Last evaluated: 2026-05-28. Review status: criteria provided, single submitter. Criteria: Ambry Variant Classification Scheme 2023. Collection method: clinical testing. Allele origin: germline.
Comment: The p.S1494I variant (also known as c.4481G>T), located in coding exon 10 of the BRCA2 gene, results from a G to T substitution at nucleotide position 4481. The serine at codon 1494 is replaced by isoleucine, an amino acid with dissimilar properties. This amino acid position is conserved. In addition, this alteration is predicted to be tolerated by in silico analysis. Based on the available evidence, the clinical significance of this variant remains unclear.

University of Washington Department of Laboratory Medicine, University of Washington
Classification: Likely benign for Hereditary cancer-predisposing syndrome. Last evaluated: 2023-03-23. Review status: criteria provided, single submitter. Criteria: Dines et al. (Genet Med. 2020). Collection method: curation. Allele origin: germline.
Comment: Missense variant in a coldspot region where missense variants are very unlikely to be pathogenic (PMID:31911673).

BRCA2 exon 11 coldspot. Reclassification based on statistical prior probability.

Labcorp Genetics (formerly Invitae), Labcorp
Classification: Uncertain significance for Hereditary breast ovarian cancer syndrome. Last evaluated: 2021-09-10. Review status: criteria provided, single submitter. Criteria: Invitae Variant Classification Sherloc (09022015). Collection method: clinical testing. Allele origin: germline.
Comment: Advanced modeling of protein sequence and biophysical properties (such as structural, functional, and spatial information, amino acid conservation, physicochemical variation, residue mobility, and thermodynamic stability) performed at Invitae indicates that this missense variant is not expected to disrupt BRCA2 protein function. In summary, the available evidence is currently insufficient to determine the role of this variant in disease. Therefore, it has been classified as a Variant of Uncertain Significance. This variant has not been reported in the literature in individuals affected with BRCA2-related conditions. This sequence change replaces serine with isoleucine at codon 1494 of the BRCA2 protein (p.Ser1494Ile). The serine residue is weakly conserved and there is a large physicochemical difference between serine and isoleucine. This variant is not present in population databases (ExAC no frequency).